The following is an entry in ClinVar:

ClinVar aggregate classification (germline): Conflicting classifications of pathogenicity. Review status: criteria provided, conflicting classifications (1 of 4 stars). 2 submissions from 2 submitters: Uncertain significance (1); Likely benign (1). Last evaluated 2025-01-06.

Conditions:
Acyl-CoA oxidase deficiency. Also called: STRAIGHT-CHAIN ACYL-CoA OXIDASE DEFICIENCY; Pseudoneonatal adrenoleukodystrophy; Peroxisomal acyl-CoA oxidase deficiency. Identifiers: Orphanet 2971, MedGen C1849678, MONDO:0009919, OMIM 264470. Disease mechanism: loss of function.

Allele frequency attached by ClinVar (database versions not stated): gnomAD exomes below 0.00001; gnomAD 0.00001; ExAC 0.00002; TOPMed 0.00002.
gnomAD v4.1: 3 of 1,613,996 alleles (0.00019%); highest among the groups gnomAD compares: Non-Finnish European, 0.00025%; no homozygotes.

Submissions (2):

Mayo Clinic Laboratories, Mayo Clinic
Classification: Likely benign. Last evaluated: 2025-01-06. Review status: criteria provided, single submitter. Criteria: ACMG Guidelines, 2015. Collection method: clinical testing. Allele origin: germline. Observed: 1 variant allele.
Comment: BP4, BP7

Labcorp Genetics (formerly Invitae), Labcorp
Classification: Uncertain significance for Acyl-CoA oxidase deficiency. Last evaluated: 2024-11-29. Review status: criteria provided, single submitter. Criteria: Invitae Variant Classification Sherloc (09022015). Collection method: clinical testing. Allele origin: germline.
Comment: This sequence change falls in intron 7 of the ACOX1 gene. It does not directly change the encoded amino acid sequence of the ACOX1 protein. It affects a nucleotide within the consensus splice site. This variant is present in population databases (rs762422999, gnomAD 0.002%). This variant has not been reported in the literature in individuals affected with ACOX1-related conditions. ClinVar contains an entry for this variant (Variation ID: 2060716). Variants that disrupt the consensus splice site are a relatively common cause of aberrant splicing (PMID: 17576681, 9536098). Algorithms developed to predict the effect of sequence changes on RNA splicing suggest that this variant is not likely to affect RNA splicing. In summary, the available evidence is currently insufficient to determine the role of this variant in disease. Therefore, it has been classified as a Variant of Uncertain Significance.

Literature cited by the submitters: PubMed 17576681 (cited by Labcorp Genetics (formerly Invitae), Labcorp); PubMed 9536098 (cited by Labcorp Genetics (formerly Invitae), Labcorp).

NM_004035.7(ACOX1):c.945-3T>C

Gene: ACOX1 (acyl-CoA oxidase 1; minus strand). Cytogenetic location: 17q25.1.
Variant type: single nucleotide variant.
Coding change: c.945-3T>C on transcript NM_004035.7 (MANE Select); 3 bases into the intron before coding-DNA position 945, T replaced by C.
Molecular consequence: intron variant.
Genome position (GRCh38, 1-based): chr17:75,951,580, A>G on the plus strand (T>C on the coding strand, the complement: ACOX1 is on the minus strand). VCF-style: chr17-75951580-A-G. GRCh37 (hg19) VCF-style: chr17-73947661-A-G.
Other names: p.?; c.945-3T>C (NM_007292.6); c.831-3T>C (NM_001185039.2).
Identifiers: ClinVar variation 2060716 (VCV002060716.4), dbSNP rs762422999, ClinGen allele CA8776870.